The following is an entry in ClinVar:

ClinVar aggregate classification (germline): Uncertain significance (1 of 4 stars; one submission).

Submission:

GeneDx
Classification: Uncertain significance. Last evaluated: 2019-04-16. Review status: criteria provided, single submitter. Criteria: GeneDx Variant Classification Process June 2021. Collection method: clinical testing. Allele origin: germline. Affected: yes.
Comment: Not observed in large population cohorts (Lek et al., 2016); Frameshift variant predicted to result in protein truncation or nonsense mediated decay in a gene for which loss-of-function is not a known mechanism of disease; Has not been previously published as pathogenic or benign to our knowledge

NM_201269.3(ZNF644):c.780_781delinsATGATACAAA (p.Asp260_Pro261delinsGluTer)

Gene: ZNF644 (zinc finger protein 644; minus strand). Cytogenetic location: 1p22.2.
Variant type: Indel.
Coding change: c.780_781delinsATGATACAAA on transcript NM_201269.3 (MANE Select); coding-DNA positions 780 to 781, TC replaced by ATGATACAAA.
Protein change: p.Asp260_Pro261delinsGluTer.
Molecular consequence: nonsense. On other transcripts: intron variant (2).
Genome position (GRCh38, 1-based): chr1:90,940,573-90,940,574, GA replaced by TTTGTATCAT on the plus strand (TC replaced by ATGATACAAA on the coding strand, the reverse complement: ZNF644 is on the minus strand). VCF-style: chr1-90940573-GA-TTTGTATCAT. GRCh37 (hg19) VCF-style: chr1-91406130-GA-TTTGTATCAT.
Other names: c.23-22420_23-22419delinsATGATACAAA (NM_032186.5, NM_016620.4).
Identifiers: ClinVar variation 1305275 (VCV001305275.2), dbSNP rs2100964229, ClinGen allele CA2573051628.
Genomic context (GRCh38, chr1:90,940,573, plus strand): 5'-GTGGAGCTTTATCTACTGTTTCCTCATTAGTCATAAGAAATTGAATGAACTCTTTTTGGG[GA>TTTGTATCAT]TCCCAGTTTGTATCATTTTCTGACCTAAATCCATCTGTACCTGAGGAAATTCCCGTTACT-3'